The following is an entry in ClinVar:

ClinVar aggregate classification (germline): Uncertain significance. Review status: criteria provided, multiple submitters, no conflicts (2 of 4 stars). 2 submissions from 2 submitters: Uncertain significance (2). Last evaluated 2025-02-14.

Allele frequency attached by ClinVar (database versions not stated): gnomAD 0.00001; TOPMed 0.00001.
gnomAD v4.1: 1 of 1,614,118 alleles (0.000062%); highest among the groups gnomAD compares: Admixed American, 0.0017%; no homozygotes.

Submissions (2):

Ambry Genetics
Classification: Uncertain significance. Last evaluated: 2025-02-14. Review status: criteria provided, single submitter. Criteria: Ambry Variant Classification Scheme 2023. Collection method: clinical testing. Allele origin: germline.

Labcorp Genetics (formerly Invitae), Labcorp
Classification: Uncertain significance. Last evaluated: 2024-10-24. Review status: criteria provided, single submitter. Criteria: Invitae Variant Classification Sherloc (09022015). Collection method: clinical testing. Allele origin: germline.
Comment: This sequence change replaces cysteine, which is neutral and slightly polar, with tyrosine, which is neutral and polar, at codon 397 of the OAS1 protein (p.Cys397Tyr). This variant is not present in population databases (gnomAD no frequency). This variant has not been reported in the literature in individuals affected with OAS1-related conditions. ClinVar contains an entry for this variant (Variation ID: 1427795). An algorithm developed to predict the effect of missense changes on protein structure and function (PolyPhen-2) suggests that this variant is likely to be disruptive. In summary, the available evidence is currently insufficient to determine the role of this variant in disease. Therefore, it has been classified as a Variant of Uncertain Significance.

NM_016816.4(OAS1):c.1190G>A (p.Cys397Tyr)

Gene: OAS1 (2'-5'-oligoadenylate synthetase 1; plus strand). Cytogenetic location: 12q24.13.
Variant type: single nucleotide variant.
Coding change: c.1190G>A on transcript NM_016816.4 (MANE Select); coding-DNA position 1190, G replaced by A.
Protein change: p.Cys397Tyr; replaces cysteine 397 with tyrosine.
Molecular consequence: missense variant. On other transcripts: synonymous variant (1), intron variant (1).
Genome position (GRCh38, 1-based): chr12:112,919,540, G>A. VCF-style: chr12-112919540-G-A. GRCh37 (hg19) VCF-style: chr12-113357345-G-A.
Other names: c.1092G>A, p.Leu364= (NM_001032409.3); c.1038+1840G>A (NM_001320151.2); c.1190G>A (NM_016816.2); short protein forms C397Y.
Identifiers: ClinVar variation 1427795 (VCV001427795.7), dbSNP rs1278880285, ClinGen allele CA386810693.
Genomic context (GRCh38, chr12:112,919,540, plus strand): 5'-CTCATAGACCCAGCACACTCCAGGCAGCATCCACCCCACAGGCAGAAGAGGACTGGACCT[G>A]CACCATCCTCTGAATGCCAGTGCATCTTGGGGGAAAGGGCTCCAGTGTTATCTGGACCAG-3'
Protein context (NP_058132.2, residues 387-400): STPQAEEDWT[Cys397Tyr]TIL